The following is an entry in ClinVar:

NM_033028.5(BBS4):c.740A>G (p.Gln247Arg)

Gene: BBS4 (Bardet-Biedl syndrome 4; plus strand). Cytogenetic location: 15q24.1.
Variant type: single nucleotide variant.
Coding change: c.740A>G on transcript NM_033028.5 (MANE Select); coding-DNA position 740, A replaced by G.
Protein change: p.Gln247Arg; replaces glutamine 247 with arginine.
Molecular consequence: missense variant. On other transcripts: non-coding transcript variant (2).
Genome position (GRCh38, 1-based): chr15:72,731,333, A>G. VCF-style: chr15-72731333-A-G. GRCh37 (hg19) VCF-style: chr15-73023674-A-G.
Other names: c.224A>G, p.Gln75Arg (NM_001252678.2); c.671A>G, p.Gln224Arg (NM_001320665.2); c.740A>G (NM_033028.3); short protein forms Q224R, Q247R, Q75R.
Identifiers: ClinVar variation 1425713 (VCV001425713.6), dbSNP rs746471801, ClinGen allele CA7646756.

ClinVar aggregate classification (germline): Uncertain significance. Review status: criteria provided, multiple submitters, no conflicts (2 of 4 stars). 2 submissions from 2 submitters: Uncertain significance (2). Last evaluated 2025-03-07.

Conditions:
Bardet-Biedl syndrome (BBS). Identifiers: Orphanet 110, MedGen C0752166, MONDO:0015229.
Inborn genetic diseases. Identifiers: MedGen C0950123, MeSH D030342.

Allele frequency attached by ClinVar (database versions not stated): gnomAD exomes below 0.00001; ExAC 0.00001.

Submissions (2):

Ambry Genetics
Classification: Uncertain significance for Inborn genetic diseases. Last evaluated: 2025-03-07. Review status: criteria provided, single submitter. Criteria: Ambry Variant Classification Scheme 2023. Collection method: clinical testing. Allele origin: germline.

Labcorp Genetics (formerly Invitae), Labcorp
Classification: Uncertain significance for Bardet-Biedl syndrome. Last evaluated: 2021-10-14. Review status: criteria provided, single submitter. Criteria: Invitae Variant Classification Sherloc (09022015). Collection method: clinical testing. Allele origin: germline.
Comment: This sequence change replaces glutamine with arginine at codon 247 of the BBS4 protein (p.Gln247Arg). The glutamine residue is highly conserved and there is a small physicochemical difference between glutamine and arginine. This variant is present in population databases (rs746471801, ExAC 0.001%). This variant has not been reported in the literature in individuals affected with BBS4-related conditions. Algorithms developed to predict the effect of missense changes on protein structure and function are either unavailable or do not agree on the potential impact of this missense change (SIFT: "Deleterious"; PolyPhen-2: "Probably Damaging"; Align-GVGD: "Class C0"). In summary, the available evidence is currently insufficient to determine the role of this variant in disease. Therefore, it has been classified as a Variant of Uncertain Significance.